The following is an entry in ClinVar:

ClinVar aggregate classification (germline): Uncertain significance (1 of 4 stars; one submission).

Submission:

Labcorp Genetics (formerly Invitae), Labcorp
Classification: Uncertain significance. Last evaluated: 2024-12-02. Review status: criteria provided, single submitter. Criteria: Invitae Variant Classification Sherloc (09022015). Collection method: clinical testing. Allele origin: germline.
Comment: This sequence change replaces alanine, which is neutral and non-polar, with serine, which is neutral and polar, at codon 1253 of the KMT2A protein (p.Ala1253Ser). This variant is not present in population databases (gnomAD no frequency). This variant has not been reported in the literature in individuals affected with KMT2A-related conditions. ClinVar contains an entry for this variant (Variation ID: 2808549). Invitae Evidence Modeling of protein sequence and biophysical properties (such as structural, functional, and spatial information, amino acid conservation, physicochemical variation, residue mobility, and thermodynamic stability) indicates that this missense variant is not expected to disrupt KMT2A protein function with a negative predictive value of 95%. In summary, the available evidence is currently insufficient to determine the role of this variant in disease. Therefore, it has been classified as a Variant of Uncertain Significance.

NM_001197104.2(KMT2A):c.3757G>T (p.Ala1253Ser)

Gene: KMT2A (lysine methyltransferase 2A; plus strand). Cytogenetic location: 11q23.3.
Variant type: single nucleotide variant.
Coding change: c.3757G>T on transcript NM_001197104.2 (MANE Select); coding-DNA position 3757, G replaced by T.
Protein change: p.Ala1253Ser; replaces alanine 1253 with serine.
Molecular consequence: missense variant.
Genome position (GRCh38, 1-based): chr11:118,481,837, G>T. VCF-style: chr11-118481837-G-T. GRCh37 (hg19) VCF-style: chr11-118352552-G-T.
Other names: c.3856G>T, p.Ala1286Ser (NM_001412597.1); c.3757G>T, p.Ala1253Ser (NM_005933.4); short protein forms A1286S, A1253S.
Identifiers: ClinVar variation 2808549 (VCV002808549.3), dbSNP rs2496862843, ClinGen allele CA382827716.